The following is an entry in ClinVar:

ClinVar aggregate classification (germline): Likely benign. Review status: criteria provided, multiple submitters, no conflicts (2 of 4 stars). 3 submissions from 3 submitters: Likely benign (3). Last evaluated 2025-05-13.

Conditions:
Inborn genetic diseases. Identifiers: MedGen C0950123, MeSH D030342.
Baller-Gerold syndrome (BGS). Also called: CRANIOSYNOSTOSIS WITH RADIAL DEFECTS. Identifiers: Orphanet 1225, MedGen C0265308, MONDO:0009039, OMIM 218600.

Allele frequency attached by ClinVar (database versions not stated): gnomAD 0.00003 and 0.00004; gnomAD exomes 0.00004 and 0.00009; TOPMed 0.00005; ESP Exome Variant Server 0.00008; ExAC 0.00022.
gnomAD v4.1: 64 of 1,583,542 alleles (0.004%); highest among the groups gnomAD compares: Admixed American, 0.0054%; no homozygotes.

Submissions (3):

Labcorp Genetics (formerly Invitae), Labcorp
Classification: Likely benign for Baller-Gerold syndrome. Last evaluated: 2025-05-13. Review status: criteria provided, single submitter. Criteria: Invitae Variant Classification Sherloc (09022015). Collection method: clinical testing. Allele origin: germline.

Mayo Clinic Laboratories, Mayo Clinic
Classification: Likely benign. Last evaluated: 2025-02-07. Review status: criteria provided, single submitter. Criteria: ACMG Guidelines, 2015. Collection method: clinical testing. Allele origin: germline. Observed: 1 variant allele.
Comment: BP4, BP7

Ambry Genetics
Classification: Likely benign for Inborn genetic diseases. Last evaluated: 2024-11-20. Review status: criteria provided, single submitter. Criteria: Ambry Variant Classification Scheme 2023. Collection method: clinical testing. Allele origin: germline.

NM_004260.4(RECQL4):c.1404G>A (p.Glu468=)

Gene: RECQL4 (RecQ like helicase 4; minus strand). Cytogenetic location: 8q24.3.
Variant type: single nucleotide variant.
Coding change: c.1404G>A on transcript NM_004260.4 (MANE Select); coding-DNA position 1404, G replaced by A.
Protein change: p.Glu468=; no amino-acid change (glutamic acid 468 retained).
Molecular consequence: synonymous variant.
Genome position (GRCh38, 1-based): chr8:144,515,229, C>T on the plus strand (G>A on the coding strand, the complement: RECQL4 is on the minus strand). VCF-style: chr8-144515229-C-T. GRCh37 (hg19) VCF-style: chr8-145740613-C-T.
Other names: p.Glu468=.
Identifiers: ClinVar variation 459324 (VCV000459324.12), dbSNP rs371046973, ClinGen allele CA4948866.
Genomic context (GRCh38, chr8:144,515,229, plus strand): 5'-TGCACGCTCCTGCCCAGGGCGAAAGGCTTGGTGCCCCAGCTGCTCCAGGGCCTGGAACAC[C>T]TCAGCCGGCGTCTCTGCAGACACAGATGTTGATCACCATGACTTGAGTCACCCCAACCCC-3'
Protein context (NP_004251.4, residues 458-478): PSGQLAETPA[Glu468=]VFQALEQLGH